The following is an entry in ClinVar:

NM_017780.4(CHD7):c.6749A>G (p.Lys2250Arg)

Gene: CHD7 (chromodomain helicase DNA binding protein 7; plus strand). Cytogenetic location: 8q12.2.
Variant type: single nucleotide variant.
Coding change: c.6749A>G on transcript NM_017780.4 (MANE Select); coding-DNA position 6749, A replaced by G.
Protein change: p.Lys2250Arg; replaces lysine 2250 with arginine.
Molecular consequence: missense variant. On other transcripts: intron variant (1).
Genome position (GRCh38, 1-based): chr8:60,853,474, A>G. VCF-style: chr8-60853474-A-G. GRCh37 (hg19) VCF-style: chr8-61766033-A-G.
Other names: c.1717-8755A>G (NM_001316690.1); short protein forms K2250R.
Identifiers: ClinVar variation 2506676 (VCV002506676.4), dbSNP rs1805570579, ClinGen allele CA371326249.

ClinVar aggregate classification (germline): Uncertain significance. Review status: criteria provided, multiple submitters, no conflicts (2 of 4 stars). 3 submissions from 3 submitters: Uncertain significance (3). Last evaluated 2024-06-09.

Conditions:
CHARGE syndrome (CHARGE). Also called: Hittner Hirsch Kreh syndrome; CHARGE ASSOCIATION--COLOBOMA, HEART ANOMALY, CHOANAL ATRESIA, RETARDATION, GENITAL AND EAR ANOMALIES; Coloboma, heart anomaly, choanal atresia, retardation, genital and ear anomalies; CHARGE association; Hall-Hittner syndrome. Identifiers: Orphanet 138, MedGen C0265354, MONDO:0008965.
Hypogonadotropic hypogonadism 5 with or without anosmia (KAL5). Also called: CHD7-Related GnRH Deficiency (Kallmann Syndrome 5); HYPOGONADOTROPIC HYPOGONADISM 5 WITH ANOSMIA; HYPOGONADOTROPHIC HYPOGONADISM 5 WITHOUT ANOSMIA. Identifiers: Orphanet 478, MedGen C3552553, MONDO:0012880, OMIM 612370. Disease mechanism: loss of function.

Submissions (3):

Fulgent Genetics
Classification: Uncertain significance for CHD7-related CHARGE syndrome; Hypogonadotropic hypogonadism 5 with or without anosmia. Last evaluated: 2024-06-09. Review status: criteria provided, single submitter. Criteria: ACMG Guidelines, 2015. Collection method: clinical testing. Allele origin: germline.

Labcorp Genetics (formerly Invitae), Labcorp
Classification: Uncertain significance for CHARGE syndrome. Last evaluated: 2024-05-21. Review status: criteria provided, single submitter. Criteria: Invitae Variant Classification Sherloc (09022015). Collection method: clinical testing. Allele origin: germline.
Comment: This sequence change replaces lysine, which is basic and polar, with arginine, which is basic and polar, at codon 2250 of the CHD7 protein (p.Lys2250Arg). This variant is not present in population databases (gnomAD no frequency). This variant has not been reported in the literature in individuals affected with CHD7-related conditions. ClinVar contains an entry for this variant (Variation ID: 2506676). Advanced modeling of protein sequence and biophysical properties (such as structural, functional, and spatial information, amino acid conservation, physicochemical variation, residue mobility, and thermodynamic stability) performed at Invitae indicates that this missense variant is not expected to disrupt CHD7 protein function with a negative predictive value of 95%. In summary, the available evidence is currently insufficient to determine the role of this variant in disease. Therefore, it has been classified as a Variant of Uncertain Significance.

GeneDx
Classification: Uncertain significance. Last evaluated: 2022-12-20. Review status: criteria provided, single submitter. Criteria: GeneDx Variant Classification Process June 2021. Collection method: clinical testing. Allele origin: germline. Affected: yes.
Comment: Not observed at significant frequency in large population cohorts (gnomAD); In silico analysis supports that this missense variant does not alter protein structure/function; Has not been previously published as pathogenic or benign to our knowledge